The following is an entry in ClinVar:

NM_052813.5(CARD9):c.*246C>G

Genes: CARD9 (caspase recruitment domain family member 9; minus strand), LOC130003002 (ATAC-STARR-seq lymphoblastoid silent region 20510; plus strand). Cytogenetic location: 9q34.3.
Variant type: single nucleotide variant.
Coding change: c.*246C>G on transcript NM_052813.5 (MANE Select); 246 bases downstream of the stop codon, C replaced by G.
Molecular consequence: 3 prime UTR variant.
Genome position (GRCh38, 1-based): chr9:136,364,056, G>C on the plus strand (C>G on the coding strand, the complement: CARD9 is on the minus strand). VCF-style: chr9-136364056-G-C. GRCh37 (hg19) VCF-style: chr9-139258508-G-C.
Other names: c.*69C>G (NM_052814.4).
Identifiers: ClinVar variation 914318 (VCV000914318.4), dbSNP rs570507065, ClinGen allele CA5332540.

ClinVar aggregate classification (germline): Likely benign (1 of 4 stars; one submission).

Conditions:
Predisposition to invasive fungal disease due to CARD9 deficiency (IMD103). Also called: CARD9 IMMUNODEFICIENCY; IMMUNODEFICIENCY 103, SUSCEPTIBILITY TO FUNGAL INFECTIONS; Candidiasis, familial, 2, autosomal recessive. Identifiers: Orphanet 457088, MedGen C1859353, MONDO:0008905, OMIM 212050.

Allele frequency attached by ClinVar (database versions not stated): gnomAD 0.00004 and 0.00025; TOPMed 0.00005; ExAC 0.00408; 1000 Genomes Project 30x 0.00109; 1000 Genomes Project 0.00120.

Submission:

Illumina Laboratory Services, Illumina
Classification: Likely benign for Predisposition to invasive fungal disease due to CARD9 deficiency. Last evaluated: 2018-01-13. Review status: criteria provided, single submitter. Criteria: ICSL Variant Classification Criteria 13 December 2019. Collection method: clinical testing. Allele origin: germline.
Comment: This variant was observed in the ICSL laboratory as part of a predisposition screen in an ostensibly healthy population. It had not been previously curated by ICSL or reported in the Human Gene Mutation Database (HGMD: prior to June 1st, 2018), and was therefore a candidate for classification through an automated scoring system. Utilizing variant allele frequency, disease prevalence and penetrance estimates, and inheritance mode, an automated score was calculated to assess if this variant is too frequent to cause the disease. Based on the score and internal cut-off values, a variant classified as likely benign is not then subjected to further curation. The score for this variant resulted in a classification of likely benign for this disease.